The following is an entry in ClinVar:

ClinVar aggregate classification (germline): Likely benign (1 of 4 stars; one submission).

Conditions:
Growth delay due to insulin-like growth factor type 1 deficiency (IGF1D). Also called: GROWTH RETARDATION WITH SENSORINEURAL DEAFNESS AND MENTAL RETARDATION; IGF1 DEFICIENCY. Identifiers: Orphanet 73272, MedGen C1837475, MONDO:0012110, OMIM 608747.

Allele frequency attached by ClinVar (database versions not stated): 1000 Genomes Project 0.00200; 1000 Genomes Project 30x 0.00172.
gnomAD v4.1: 181 of 152,186 alleles (0.12%); highest among the groups gnomAD compares: African/African-American, 0.42%; no homozygotes.

Submission:

Illumina Laboratory Services, Illumina
Classification: Likely benign for Growth delay due to insulin-like growth factor type 1 deficiency. Last evaluated: 2018-01-12. Review status: criteria provided, single submitter. Criteria: ICSL Variant Classification Criteria 13 December 2019. Collection method: clinical testing. Allele origin: germline.
Comment: This variant was observed in the ICSL laboratory as part of a predisposition screen in an ostensibly healthy population. It had not been previously curated by ICSL or reported in the Human Gene Mutation Database (HGMD: prior to June 1st, 2018), and was therefore a candidate for classification through an automated scoring system. Utilizing variant allele frequency, disease prevalence and penetrance estimates, and inheritance mode, an automated score was calculated to assess if this variant is too frequent to cause the disease. Based on the score and internal cut-off values, a variant classified as likely benign is not then subjected to further curation. The score for this variant resulted in a classification of likely benign for this disease.

NM_000618.5(IGF1):c.*2266T>C

Genes: IGF1 (insulin like growth factor 1; minus strand), LINC02456 (long intergenic non-protein coding RNA 2456; plus strand). Cytogenetic location: 12q23.2.
Variant type: single nucleotide variant.
Coding change: c.*2266T>C on transcript NM_000618.5 (MANE Select); 2266 bases downstream of the stop codon, T replaced by C.
Molecular consequence: 3 prime UTR variant.
Genome position (GRCh38, 1-based): chr12:102,400,241, A>G on the plus strand (T>C on the coding strand, the complement: IGF1 is on the minus strand). VCF-style: chr12-102400241-A-G. GRCh37 (hg19) VCF-style: chr12-102794019-A-G.
Other names: c.*2300T>C (NM_001111283.3); c.*2266T>C (NM_001111284.2).
Identifiers: ClinVar variation 306890 (VCV000306890.5), dbSNP rs6216, ClinGen allele CA10639964.